The following is an entry in ClinVar:

NM_001127222.2(CACNA1A):c.6529T>G (p.Leu2177Val)

Gene: CACNA1A (calcium voltage-gated channel subunit alpha1 A; minus strand). Cytogenetic location: 19p13.13.
Variant type: single nucleotide variant.
Coding change: c.6529T>G on transcript NM_001127222.2 (MANE Select); coding-DNA position 6529, T replaced by G.
Protein change: p.Leu2177Val; replaces leucine 2177 with valine.
Molecular consequence: missense variant.
Genome position (GRCh38, 1-based): chr19:13,209,007, A>C on the plus strand (T>G on the coding strand, the complement: CACNA1A is on the minus strand). VCF-style: chr19-13209007-A-C. GRCh37 (hg19) VCF-style: chr19-13319821-A-C.
Other names: c.6547T>G, p.Leu2183Val (NM_000068.4, NM_023035.3); c.6532T>G, p.Leu2178Val (NM_001127221.2); c.6538T>G, p.Leu2180Val (NM_001174080.2); short protein forms L2177V, L2178V, L2180V, L2183V.
Identifiers: ClinVar variation 2574367 (VCV002574367.3), dbSNP rs2512517229, ClinGen allele CA404330695.

ClinVar aggregate classification (germline): Uncertain significance (1 of 4 stars; one submission).

gnomAD v4.1: 4 of 1,537,020 alleles (0.00026%); highest among the groups gnomAD compares: Non-Finnish European, 0.00035%; no homozygotes.

Submission:

GeneDx
Classification: Uncertain significance. Last evaluated: 2026-08-04. Review status: criteria provided, single submitter. Criteria: GeneDx Variant Classification Process June 2021. Collection method: clinical testing. Allele origin: germline.
Comment: Not observed at significant frequency in large population cohorts (gnomAD); In silico analysis suggests that this missense variant does not alter protein structure/function; Has not been previously published as pathogenic or benign to our knowledge